The following is an entry in ClinVar:

NM_000702.4(ATP1A2):c.398T>C (p.Val133Ala)

Gene: ATP1A2 (ATPase Na+/K+ transporting subunit alpha 2; plus strand). Cytogenetic location: 1q23.2.
Variant type: single nucleotide variant.
Coding change: c.398T>C on transcript NM_000702.4 (MANE Select); coding-DNA position 398, T replaced by C.
Protein change: p.Val133Ala; replaces valine 133 with alanine.
Molecular consequence: missense variant.
Genome position (GRCh38, 1-based): chr1:160,123,959, T>C. VCF-style: chr1-160123959-T-C. GRCh37 (hg19) VCF-style: chr1-160093749-T-C.
Other names: short protein forms V133A.
Identifiers: ClinVar variation 963419 (VCV000963419.10), dbSNP rs1651502435, ClinGen allele CA343232313.
Genomic context (GRCh38, chr1:160,123,959, plus strand): 5'-GTTGGGGGGAAGGTCAGGTCCCTGAAACTCTTTCTCCTTACCAGCTATATCTGGGTGTGG[T>C]GCTGGCAGCTGTGGTCATTGTCACTGGCTGCTTCTCCTACTACCAGGAGGCCAAGAGCTC-3'
Protein context (NP_000693.1, residues 123-143): PSNDNLYLGV[Val133Ala]LAAVVIVTGC

ClinVar aggregate classification (germline): Uncertain significance. Review status: criteria provided, multiple submitters, no conflicts (2 of 4 stars). 2 submissions from 2 submitters: Uncertain significance (2). Last evaluated 2026-04-13.

Conditions:
Inborn genetic diseases. Identifiers: MedGen C0950123, MeSH D030342.
Familial hemiplegic migraine. Identifiers: MedGen C0338484, MONDO:0000700.

Allele frequency attached by ClinVar (database versions not stated): gnomAD exomes below 0.00001.
gnomAD v4.1: 1 of 1,614,136 alleles (0.000062%); highest among the groups gnomAD compares: Non-Finnish European, 0.000085%; no homozygotes.

Submissions (2):

Ambry Genetics
Classification: Uncertain significance for Inborn genetic diseases. Last evaluated: 2026-04-13. Review status: criteria provided, single submitter. Criteria: Ambry Variant Classification Scheme 2023. Collection method: clinical testing. Allele origin: germline.

Labcorp Genetics (formerly Invitae), Labcorp
Classification: Uncertain significance for Familial hemiplegic migraine. Last evaluated: 2024-04-18. Review status: criteria provided, single submitter. Criteria: Invitae Variant Classification Sherloc (09022015). Collection method: clinical testing. Allele origin: germline.
Comment: This sequence change replaces valine, which is neutral and non-polar, with alanine, which is neutral and non-polar, at codon 133 of the ATP1A2 protein (p.Val133Ala). This variant is not present in population databases (gnomAD no frequency). This variant has not been reported in the literature in individuals affected with ATP1A2-related conditions. ClinVar contains an entry for this variant (Variation ID: 963419). Advanced modeling of protein sequence and biophysical properties (such as structural, functional, and spatial information, amino acid conservation, physicochemical variation, residue mobility, and thermodynamic stability) performed at Invitae indicates that this missense variant is not expected to disrupt ATP1A2 protein function with a negative predictive value of 80%. In summary, the available evidence is currently insufficient to determine the role of this variant in disease. Therefore, it has been classified as a Variant of Uncertain Significance.